The following is an entry in ClinVar:

ClinVar aggregate classification (germline): Likely benign. Review status: criteria provided, multiple submitters, no conflicts (2 of 4 stars). 5 submissions from 5 submitters: Likely benign (5). Last evaluated 2026-03-01.

Conditions:
RYR1-related disorder. Also called: RYR1-related disorders; RYR1-related condition. Identifiers: MedGen CN239331.
Malignant hyperthermia, susceptibility to, 1 (MHS1). Also called: Anesthesia related hyperthermia; Malignant hyperpyrexia; Fulminating hyperpyrexia; Pharmacogenic myopathy; RYR1-Related Malignant Hyperthermia Susceptibility; Malignant hyperthermia suceptibility 1. Identifiers: Orphanet 423, MedGen C2930980, MONDO:0007783, OMIM 145600.

Allele frequency attached by ClinVar (database versions not stated): TOPMed 0.00005.
gnomAD v4.1: 45 of 1,613,738 alleles (0.0028%); highest among the groups gnomAD compares: Non-Finnish European, 0.0037%; no homozygotes.

Submissions (5):

CeGaT Center for Human Genetics Tuebingen
Classification: Likely benign. Last evaluated: 2026-03-01. Review status: criteria provided, single submitter. Criteria: CeGaT Center For Human Genetics Tuebingen Variant Classification Criteria Version 2. Collection method: clinical testing. Allele origin: germline. Affected: yes. Observed: 2 variant alleles.
Comment: RYR1: BP4, BP7

Labcorp Genetics (formerly Invitae), Labcorp
Classification: Likely benign for RYR1-related disorder. Last evaluated: 2026-01-24. Review status: criteria provided, single submitter. Criteria: Invitae Variant Classification Sherloc (09022015). Collection method: clinical testing. Allele origin: germline.

Blueprint Genetics
Classification: Likely benign. Last evaluated: 2024-11-25. Review status: criteria provided, single submitter. Criteria: ACMG Guidelines, 2015. Collection method: clinical testing. Allele origin: germline.

Women's Health and Genetics/Laboratory Corporation of America, LabCorp
Classification: Likely benign. Last evaluated: 2024-10-17. Review status: criteria provided, single submitter. Criteria: LabCorp Variant Classification Summary - May 2015. Collection method: clinical testing. Allele origin: germline.

Color Diagnostics, LLC DBA Color Health
Classification: Likely benign for Malignant hyperthermia, susceptibility to, 1. Last evaluated: 2023-11-07. Review status: criteria provided, single submitter. Criteria: ACMG Guidelines, 2015. Collection method: clinical testing. Allele origin: germline.

NM_000540.3(RYR1):c.897G>A (p.Val299=)

Gene: RYR1 (ryanodine receptor 1; plus strand). Cytogenetic location: 19q13.2.
Variant type: single nucleotide variant.
Coding change: c.897G>A on transcript NM_000540.3 (MANE Select); coding-DNA position 897, G replaced by A.
Protein change: p.Val299=; no amino-acid change (valine 299 retained).
Molecular consequence: synonymous variant.
Genome position (GRCh38, 1-based): chr19:38,448,451, G>A. VCF-style: chr19-38448451-G-A. GRCh37 (hg19) VCF-style: chr19-38939091-G-A.
Other names: c.897G>A, p.Val299= (NM_001042723.2).
Identifiers: ClinVar variation 699286 (VCV000699286.49), dbSNP rs76854339, ClinGen allele CA073010.